The following is an entry in ClinVar:

ClinVar aggregate classification (germline): Likely benign (0 of 4 stars; one submission).

Conditions:
SEMA3G-related disorder. Also called: SEMA3G-related condition.

Submission:

PreventionGenetics, part of Exact Sciences
Classification: Likely benign for SEMA3G-related condition. Last evaluated: 2023-02-16. Review status: no assertion criteria provided. Collection method: clinical testing. Allele origin: germline.
Comment: This variant is classified as likely benign based on ACMG/AMP sequence variant interpretation guidelines (Richards et al. 2015 PMID: 25741868, with internal and published modifications).

NM_020163.3(SEMA3G):c.1293C>T (p.His431=)

Gene: SEMA3G (semaphorin 3G; minus strand). Cytogenetic location: 3p21.1.
Variant type: single nucleotide variant.
Coding change: c.1293C>T on transcript NM_020163.3 (MANE Select); coding-DNA position 1293, C replaced by T.
Protein change: p.His431=; no amino-acid change (histidine 431 retained).
Molecular consequence: synonymous variant.
Genome position (GRCh38, 1-based): chr3:52,439,949, G>A on the plus strand (C>T on the coding strand, the complement: SEMA3G is on the minus strand). VCF-style: chr3-52439949-G-A. GRCh37 (hg19) VCF-style: chr3-52473965-G-A.
Identifiers: ClinVar variation 3356605 (VCV003356605.1).